The following is an entry in ClinVar:

ClinVar aggregate classification (germline): Uncertain significance (1 of 4 stars; one submission).

Conditions:
Familial adenomatous polyposis 1 (FAP1). Also called: POLYPOSIS, ADENOMATOUS INTESTINAL; FAMILIAL ADENOMATOUS POLYPOSIS 1, ATTENUATED. Identifiers: MedGen C2713442, MONDO:0021056, OMIM 175100. Disease mechanism: loss of function.

Submission:

Labcorp Genetics (formerly Invitae), Labcorp
Classification: Uncertain significance for Familial adenomatous polyposis 1. Last evaluated: 2022-07-25. Review status: criteria provided, single submitter. Criteria: Invitae Variant Classification Sherloc (09022015). Collection method: clinical testing. Allele origin: germline.
Comment: ClinVar contains an entry for this variant (Variation ID: 1404963). This missense change has been observed in individual(s) with familial adenomatous polyposis (PMID: 27347161). In summary, the available evidence is currently insufficient to determine the role of this variant in disease. Therefore, it has been classified as a Variant of Uncertain Significance. Algorithms developed to predict the effect of missense changes on protein structure and function (SIFT, PolyPhen-2, Align-GVGD) all suggest that this variant is likely to be tolerated. This variant is not present in population databases (gnomAD no frequency). This sequence change replaces lysine, which is basic and polar, with arginine, which is basic and polar, at codon 2057 of the APC protein (p.Lys2057Arg).

Literature cited by the submitters: PubMed 27347161.

NM_000038.6(APC):c.6170A>G (p.Lys2057Arg)

Gene: APC (APC regulator of Wnt signaling pathway; plus strand). Cytogenetic location: 5q22.2.
Variant type: single nucleotide variant.
Coding change: c.6170A>G on transcript NM_000038.6 (MANE Select); coding-DNA position 6170, A replaced by G.
Protein change: p.Lys2057Arg; replaces lysine 2057 with arginine.
Molecular consequence: missense variant.
Genome position (GRCh38, 1-based): chr5:112,841,764, A>G. VCF-style: chr5-112841764-A-G. GRCh37 (hg19) VCF-style: chr5-112177461-A-G.
Other names: c.6170A>G, p.Lys2057Arg (NM_001127510.3, NM_001354895.2); c.6116A>G, p.Lys2039Arg (NM_001127511.3); c.6224A>G, p.Lys2075Arg (NM_001354896.2); c.6200A>G, p.Lys2067Arg (NM_001354897.2); c.6095A>G, p.Lys2032Arg (NM_001354898.2); c.6086A>G, p.Lys2029Arg (NM_001354899.2); c.6047A>G, p.Lys2016Arg (NM_001354900.2); c.5993A>G, p.Lys1998Arg (NM_001354901.2); and 5 more; short protein forms K1774R, K1897R, K2016R, K2029R, K2067R, K2075R, K1966R, K2057R.
Identifiers: ClinVar variation 1404963 (VCV001404963.6), dbSNP rs2149958785, ClinGen allele CA16034843.